The following is an entry in ClinVar:

ClinVar aggregate classification (germline): Uncertain significance. Review status: criteria provided, multiple submitters, no conflicts (2 of 4 stars). 4 submissions from 4 submitters: Uncertain significance (4). Last evaluated 2026-01-17.

Conditions:
DNAH9-related disorder. Also called: DNAH9-related condition.
Inborn genetic diseases. Identifiers: MedGen C0950123, MeSH D030342.

Allele frequency attached by ClinVar (database versions not stated): gnomAD exomes 0.00004 and 0.00008; ExAC 0.00008; 1000 Genomes Project 30x 0.00031; ESP Exome Variant Server 0.00031; 1000 Genomes Project 0.00040; gnomAD 0.00047 and 0.00053; TOPMed 0.00049.
gnomAD v4.1: 130 of 1,614,130 alleles (0.0081%); highest among the groups gnomAD compares: African/African-American, 0.15%; no homozygotes.

Submissions (4):

Labcorp Genetics (formerly Invitae), Labcorp
Classification: Uncertain significance. Last evaluated: 2026-01-17. Review status: criteria provided, single submitter. Criteria: Invitae Variant Classification Sherloc (09022015). Collection method: clinical testing. Allele origin: germline.
Comment: This sequence change replaces isoleucine, which is neutral and non-polar, with valine, which is neutral and non-polar, at codon 1776 of the DNAH9 protein (p.Ile1776Val). This variant is present in population databases (rs373666247, gnomAD 0.1%). This variant has not been reported in the literature in individuals affected with DNAH9-related conditions. ClinVar contains an entry for this variant (Variation ID: 1365226). Invitae Evidence Modeling of protein sequence and biophysical properties (such as structural, functional, and spatial information, amino acid conservation, physicochemical variation, residue mobility, and thermodynamic stability) indicates that this missense variant is not expected to disrupt DNAH9 protein function with a negative predictive value of 80%. In summary, the available evidence is currently insufficient to determine the role of this variant in disease. Therefore, it has been classified as a Variant of Uncertain Significance.

Blueprint Genetics
Classification: Uncertain significance. Last evaluated: 2024-11-13. Review status: criteria provided, single submitter. Criteria: ACMG Guidelines, 2015. Collection method: clinical testing. Allele origin: germline.

Ambry Genetics
Classification: Uncertain significance for Inborn genetic diseases. Last evaluated: 2024-05-01. Review status: criteria provided, single submitter. Criteria: Ambry Variant Classification Scheme 2023. Collection method: clinical testing. Allele origin: germline.

PreventionGenetics, part of Exact Sciences
Classification: Uncertain significance for DNAH9-related condition. Last evaluated: 2023-06-08. Review status: criteria provided, single submitter. Criteria: ACMG Guidelines, 2015. Collection method: clinical testing. Allele origin: germline.
Comment: The DNAH9 c.5326A>G variant is predicted to result in the amino acid substitution p.Ile1776Val. To our knowledge, this variant has not been reported in the literature. This variant is reported in 0.14% of alleles in individuals of African descent in gnomAD. Although we suspect that this variant may be benign, at this time, the clinical significance of this variant is uncertain due to the absence of conclusive functional and genetic evidence.

NM_001372.4(DNAH9):c.5326A>G (p.Ile1776Val)

Gene: DNAH9 (dynein axonemal heavy chain 9; plus strand). Cytogenetic location: 17p12.
Variant type: single nucleotide variant.
Coding change: c.5326A>G on transcript NM_001372.4 (MANE Select); coding-DNA position 5326, A replaced by G.
Protein change: p.Ile1776Val; replaces isoleucine 1776 with valine.
Molecular consequence: missense variant.
Genome position (GRCh38, 1-based): chr17:11,704,377, A>G. VCF-style: chr17-11704377-A-G. GRCh37 (hg19) VCF-style: chr17-11607694-A-G.
Other names: c.5326A>G (NM_001372.3); short protein forms I1776V.
Identifiers: ClinVar variation 1365226 (VCV001365226.10), dbSNP rs373666247, ClinGen allele CA8395969.